The following is an entry in ClinVar:

ClinVar aggregate classification (germline): Benign/Likely benign. Review status: criteria provided, multiple submitters, no conflicts (2 of 4 stars). 3 submissions from 3 submitters: Benign (2); Likely benign (1). Last evaluated 2024-10-01.

Allele frequency attached by ClinVar (database versions not stated): 1000 Genomes Project 0.00040; 1000 Genomes Project 30x 0.00047; TOPMed 0.00075; ESP Exome Variant Server 0.00077; gnomAD 0.00093 and 0.00102; gnomAD exomes 0.00115 and 0.00129; ExAC 0.00134.
gnomAD v4.1: 1,831 of 1,614,112 alleles (0.11%); highest among the groups gnomAD compares: Middle Eastern, 0.78%; 16 homozygotes.

Submissions (3):

CeGaT Center for Human Genetics Tuebingen
Classification: Likely benign. Last evaluated: 2024-10-01. Review status: criteria provided, single submitter. Criteria: CeGaT Center For Human Genetics Tuebingen Variant Classification Criteria Version 2. Collection method: clinical testing. Allele origin: germline. Affected: yes. Observed: 1 variant allele.
Comment: NAGPA: BP4, BP7, BS2

Labcorp Genetics (formerly Invitae), Labcorp
Classification: Benign. Last evaluated: 2018-11-06. Review status: criteria provided, single submitter. Criteria: Invitae Variant Classification Sherloc (09022015). Collection method: clinical testing. Allele origin: germline.

Breakthrough Genomics
Classification: Benign. Review status: criteria provided, single submitter. Criteria: ACMG Guidelines, 2015. Collection method: not provided. Allele origin: germline. Inheritance: Unknown mechanism. Affected: yes.

NM_016256.4(NAGPA):c.1203C>G (p.Gly401=)

Gene: NAGPA (N-acetylglucosamine-1-phosphodiester alpha-N-acetylglucosaminidase; minus strand). Cytogenetic location: 16p13.3.
Variant type: single nucleotide variant.
Coding change: c.1203C>G on transcript NM_016256.4 (MANE Select); coding-DNA position 1203, C replaced by G.
Protein change: p.Gly401=; no amino-acid change (glycine 401 retained).
Molecular consequence: synonymous variant.
Genome position (GRCh38, 1-based): chr16:5,027,351, G>C on the plus strand (C>G on the coding strand, the complement: NAGPA is on the minus strand). VCF-style: chr16-5027351-G-C. GRCh37 (hg19) VCF-style: chr16-5077352-G-C.
Identifiers: ClinVar variation 707823 (VCV000707823.17), dbSNP rs146958181, ClinGen allele CA7888486.